The following is an entry in ClinVar:

NM_001267550.2(TTN):c.43371G>A (p.Lys14457=)

Gene: TTN (titin; minus strand). Cytogenetic location: 2q31.2.
Variant type: single nucleotide variant.
Coding change: c.43371G>A on transcript NM_001267550.2 (MANE Select); coding-DNA position 43371, G replaced by A.
Protein change: p.Lys14457=; no amino-acid change (lysine 14457 retained).
Molecular consequence: synonymous variant.
Genome position (GRCh38, 1-based): chr2:178,632,635, C>T on the plus strand (G>A on the coding strand, the complement: TTN is on the minus strand). VCF-style: chr2-178632635-C-T. GRCh37 (hg19) VCF-style: chr2-179497362-C-T.
Other names: p.Lys11889=; c.38448G>A, p.Lys12816= (NM_001256850.1); c.16176G>A, p.Lys5392= (NM_003319.4); c.35667G>A, p.Lys11889= (NM_133378.4); c.16551G>A, p.Lys5517= (NM_133432.3); c.16752G>A, p.Lys5584= (NM_133437.4).
Identifiers: ClinVar variation 789424 (VCV000789424.14), dbSNP rs756061256, ClinGen allele CA1995879.

ClinVar aggregate classification (germline): Likely benign. Review status: criteria provided, multiple submitters, no conflicts (2 of 4 stars). 4 submissions from 4 submitters: Likely benign (4). Last evaluated 2025-11-24.

Conditions:
Cardiovascular phenotype. Identifiers: MedGen CN230736.
Autosomal recessive limb-girdle muscular dystrophy type 2J (LGMDR10). Also called: MUSCULAR DYSTROPHY, LIMB-GIRDLE, AUTOSOMAL RECESSIVE 10; Limb-girdle muscular dystrophy, type 2J. Identifiers: Orphanet 140922, MedGen C1837342, MONDO:0012127, OMIM 608807.
Dilated cardiomyopathy 1G (CMD1G). Identifiers: Orphanet 154, MedGen C1858763, MONDO:0011400, OMIM 604145.

Allele frequency attached by ClinVar (database versions not stated): gnomAD below 0.00001 and 0.00001; TOPMed 0.00001; ExAC 0.00007.
gnomAD v4.1: 52 of 1,613,358 alleles (0.0032%); highest among the groups gnomAD compares: South Asian, 0.054%; no homozygotes.

Submissions (4):

Labcorp Genetics (formerly Invitae), Labcorp
Classification: Likely benign for Dilated cardiomyopathy 1G; Autosomal recessive limb-girdle muscular dystrophy type 2J. Last evaluated: 2025-11-24. Review status: criteria provided, single submitter. Criteria: Invitae Variant Classification Sherloc (09022015). Collection method: clinical testing. Allele origin: germline.

Mayo Clinic Laboratories, Mayo Clinic
Classification: Likely benign. Last evaluated: 2025-10-22. Review status: criteria provided, single submitter. Criteria: ACMG Guidelines, 2015. Collection method: clinical testing. Allele origin: germline. Observed: 1 variant allele.
Comment: BP4, BP7

Ambry Genetics
Classification: Likely benign for Cardiovascular phenotype. Last evaluated: 2022-11-02. Review status: criteria provided, single submitter. Criteria: Ambry Variant Classification Scheme 2023. Collection method: clinical testing. Allele origin: germline.

Blueprint Genetics
Classification: Likely benign. Last evaluated: 2018-10-03. Review status: criteria provided, single submitter. Criteria: ACMG Guidelines, 2015. Collection method: clinical testing. Allele origin: germline.